The following is an entry in ClinVar:

ClinVar aggregate classification (germline): Uncertain significance (1 of 4 stars; one submission).

Conditions:
Charcot-Marie-Tooth disease type 4. Also called: Charcot-Marie-Tooth, Type 4; Charcot-Marie-Tooth disease, type IV. Identifiers: Orphanet 64749, MedGen C4082197, MONDO:0018995.

Submission:

Labcorp Genetics (formerly Invitae), Labcorp
Classification: Uncertain significance for Charcot-Marie-Tooth disease type 4. Last evaluated: 2020-03-01. Review status: criteria provided, single submitter. Criteria: Invitae Variant Classification Sherloc (09022015). Collection method: clinical testing. Allele origin: germline.
Comment: In summary, the available evidence is currently insufficient to determine the role of this variant in disease. Therefore, it has been classified as a Variant of Uncertain Significance. Algorithms developed to predict the effect of missense changes on protein structure and function output the following: SIFT: "Tolerated"; PolyPhen-2: "Benign"; Align-GVGD: "Class C0". The isoleucine amino acid residue is found in multiple mammalian species, suggesting that this missense change does not adversely affect protein function. These predictions have not been confirmed by published functional studies and their clinical significance is uncertain. This variant has not been reported in the literature in individuals with SH3TC2-related conditions. This variant is not present in population databases (ExAC no frequency). This sequence change replaces leucine with isoleucine at codon 706 of the SH3TC2 protein (p.Leu706Ile). The leucine residue is moderately conserved and there is a small physicochemical difference between leucine and isoleucine.

NM_024577.4(SH3TC2):c.2116C>A (p.Leu706Ile)

Gene: SH3TC2 (SH3 domain and tetratricopeptide repeats 2; minus strand). Cytogenetic location: 5q32.
Variant type: single nucleotide variant.
Coding change: c.2116C>A on transcript NM_024577.4 (MANE Select); coding-DNA position 2116, C replaced by A.
Protein change: p.Leu706Ile; replaces leucine 706 with isoleucine.
Molecular consequence: missense variant.
Genome position (GRCh38, 1-based): chr5:149,027,616, G>T on the plus strand (C>A on the coding strand, the complement: SH3TC2 is on the minus strand). VCF-style: chr5-149027616-G-T. GRCh37 (hg19) VCF-style: chr5-148407179-G-T.
Other names: short protein forms L706I.
Identifiers: ClinVar variation 1038245 (VCV001038245.8), dbSNP rs1317532477, ClinGen allele CA361667045.
Genomic context (GRCh38, chr5:149,027,616, plus strand): 5'-AAGGAAAGCCAAGGAGCTTGGTTGTGTTCTGGAGGACAAGGTGGACCTGCCAAATAGGAA[G>T]AGACATCCCTTGGGCACTCTGGATACCATGTTGCTGGACAGAGGCCACTGCAAGGTGTGG-3'
Protein context (NP_078853.2, residues 696-716): HGIQSAQGMS[Leu706Ile]PIWQVHLVLQ